The following is an entry in ClinVar:

ClinVar aggregate classification (germline): Uncertain significance (1 of 4 stars; one submission).

Conditions:
Hereditary cancer-predisposing syndrome. Also called: Tumor predisposition; Hereditary neoplastic syndrome; Hereditary Cancer Syndrome; Neoplastic Syndromes, Hereditary. Identifiers: Orphanet 140162, MedGen C0027672, MeSH D009386, MONDO:0015356.

Submission:

Ambry Genetics
Classification: Uncertain significance for Hereditary cancer-predisposing syndrome. Last evaluated: 2024-03-14. Review status: criteria provided, single submitter. Criteria: Ambry Variant Classification Scheme 2023. Collection method: clinical testing. Allele origin: germline.
Comment: The p.D107V variant (also known as c.320A>T), located in coding exon 2 of the NTHL1 gene, results from an A to T substitution at nucleotide position 320. The aspartic acid at codon 107 is replaced by valine, an amino acid with highly dissimilar properties. This amino acid position is conserved. In addition, this alteration is predicted to be deleterious by in silico analysis. Based on the available evidence, the clinical significance of this alteration remains unclear.

NM_002528.7(NTHL1):c.296A>T (p.Asp99Val)

Gene: NTHL1 (nth like DNA glycosylase 1; minus strand). Cytogenetic location: 16p13.3.
Variant type: single nucleotide variant.
Coding change: c.296A>T on transcript NM_002528.7 (MANE Select); coding-DNA position 296, A replaced by T.
Protein change: p.Asp99Val; replaces aspartic acid 99 with valine.
Molecular consequence: missense variant. On other transcripts: intron variant (1).
Genome position (GRCh38, 1-based): chr16:2,046,186, T>A on the plus strand (A>T on the coding strand, the complement: NTHL1 is on the minus strand). VCF-style: chr16-2046186-T-A. GRCh37 (hg19) VCF-style: chr16-2096187-T-A.
Other names: c.296A>T, p.Asp99Val (NM_001318193.2); c.24+94A>T (NM_001318194.2); short protein forms D99V.
Identifiers: ClinVar variation 3222668 (VCV003222668.1), dbSNP rs959911360, ClinGen allele CA394295549.